The following is an entry in ClinVar:

NM_000257.4(MYH7):c.1844A>C (p.Lys615Thr)

Gene: MYH7 (myosin heavy chain 7; minus strand). Cytogenetic location: 14q11.2.
Variant type: single nucleotide variant.
Coding change: c.1844A>C on transcript NM_000257.4 (MANE Select); coding-DNA position 1844, A replaced by C.
Protein change: p.Lys615Thr; replaces lysine 615 with threonine.
Molecular consequence: missense variant.
Genome position (GRCh38, 1-based): chr14:23,427,629, T>G on the plus strand (A>C on the coding strand, the complement: MYH7 is on the minus strand). VCF-style: chr14-23427629-T-G. GRCh37 (hg19) VCF-style: chr14-23896838-T-G.
Other names: short protein forms K615T.
Identifiers: ClinVar variation 1333631 (VCV001333631.1), dbSNP rs1892745662, ClinGen allele CA389049700.
Genomic context (GRCh38, chr14:23,427,629, plus strand): 5'-CTCAGTCCCTACTTACGCGCATCAGCCCCAGCATAGTTGGCAAACAGGGTGCTGAGCAGC[T>G]TGAGGGAAGACTTCTGATACAAGCCCACGACAGTCTCATTGAGAGGATCCTTGTTCTTCT-3'
Protein context (NP_000248.2, residues 605-625): VVGLYQKSSL[Lys615Thr]LLSTLFANYA

ClinVar aggregate classification (germline): Likely pathogenic (1 of 4 stars; one submission).

Conditions:
Hypertrophic cardiomyopathy 1 (CMH1). Also called: MYH7-Related Familial Hypertrophic Cardiomyopathy; Familial hypertrophic cardiomyopathy 1. Identifiers: MedGen C3495498, MONDO:0008647, OMIM 192600.

Submission:

3billion
Classification: Likely pathogenic for Hypertrophic cardiomyopathy 1. Last evaluated: 2022-01-03. Review status: criteria provided, single submitter. Criteria: ACMG Guidelines, 2015. Collection method: clinical testing. Allele origin: germline. Affected: yes. Observed: 1 heterozygote.
Comment: The variant is located in a well-established functional domain or exonic hotspot, where pathogenic variants have frequently reported (PM1_M). A different missense change at the same codon has been reported to be associated with MYH7 related disorder (PMID:1417858,15563892, PM5_P). In silico tool predictions suggest damaging effect of the variant on gene or gene product (REVEL: 0.837, 3CNET: 0.974, PP3_P). It is not observed in the gnomAD v2.1.1 dataset (PM2_M). Therefore, this variant is classified as likely pathogenic according to the recommendation of ACMG/AMP guideline.

Literature cited by the submitters: PubMed 1417858.